The following is an entry in ClinVar:

NM_003482.4(KMT2D):c.15716C>T (p.Pro5239Leu)

Gene: KMT2D (lysine methyltransferase 2D; minus strand). Cytogenetic location: 12q13.12.
Variant type: single nucleotide variant.
Coding change: c.15716C>T on transcript NM_003482.4 (MANE Select); coding-DNA position 15716, C replaced by T.
Protein change: p.Pro5239Leu; replaces proline 5239 with leucine.
Molecular consequence: missense variant.
Genome position (GRCh38, 1-based): chr12:49,026,250, G>A on the plus strand (C>T on the coding strand, the complement: KMT2D is on the minus strand). VCF-style: chr12-49026250-G-A. GRCh37 (hg19) VCF-style: chr12-49420033-G-A.
Other names: short protein forms P5239L.
Identifiers: ClinVar variation 2883079 (VCV002883079.4), dbSNP rs374725382, ClinGen allele CA6545509.
Genomic context (GRCh38, chr12:49,026,250, plus strand): 5'-GAGGCGTCAGTGAAGACCAGGTCCTCCAGGCCCTGCTCGATGACTTTGATTACAAACTCC[G>A]GCCGCCCGTTGTTCTCACCAATAGAACAGCGATAGCAGCAGCGACGATTGTTGGTGCGGA-3'
Protein context (NP_003473.3, residues 5229-5249): RCSIGENNGR[Pro5239Leu]EFVIKVIEQG

ClinVar aggregate classification (germline): Uncertain significance. Review status: criteria provided, multiple submitters, no conflicts (2 of 4 stars). 2 submissions from 2 submitters: Uncertain significance (2). Last evaluated 2023-12-29.

Conditions:
Kabuki syndrome. Also called: NIIKAWA-KUROKI SYNDROME; Kabuki make-up syndrome. Identifiers: Orphanet 2322, MedGen C0796004, MONDO:0016512.
Kabuki syndrome 1 (KABUK1). Also called: KMT2D-Related Kabuki Syndrome. Identifiers: Orphanet 2322, MedGen CN030661, MONDO:0007843, OMIM 147920.
Choanal atresia-athelia-hypothyroidism-delayed puberty-short stature syndrome (BCAHH). Also called: BRANCHIAL ARCH ABNORMALITIES, CHOANAL ATRESIA, ATHELIA, HEARING LOSS, AND HYPOTHYROIDISM SYNDROME. Identifiers: Orphanet 589856, MedGen C5680310, MONDO:0035651, OMIM 620186.

Allele frequency attached by ClinVar (database versions not stated): ExAC 0.00001; gnomAD exomes 0.00001; TOPMed 0.00002; gnomAD 0.00003; ESP Exome Variant Server 0.00008.
gnomAD v4.1: 11 of 1,603,958 alleles (0.00069%); highest among the groups gnomAD compares: Non-Finnish European, 0.00085%; no homozygotes.

Submissions (2):

Fulgent Genetics
Classification: Uncertain significance for Kabuki syndrome 1; Choanal atresia-athelia-hypothyroidism-delayed puberty-short stature syndrome. Last evaluated: 2023-12-29. Review status: criteria provided, single submitter. Criteria: ACMG Guidelines, 2015. Collection method: clinical testing. Allele origin: germline.

Labcorp Genetics (formerly Invitae), Labcorp
Classification: Uncertain significance for Kabuki syndrome. Last evaluated: 2023-04-13. Review status: criteria provided, single submitter. Criteria: Invitae Variant Classification Sherloc (09022015). Collection method: clinical testing. Allele origin: germline.
Comment: This variant is present in population databases (rs374725382, gnomAD 0.0009%). This sequence change replaces proline, which is neutral and non-polar, with leucine, which is neutral and non-polar, at codon 5239 of the KMT2D protein (p.Pro5239Leu). This variant has not been reported in the literature in individuals affected with KMT2D-related conditions. In summary, the available evidence is currently insufficient to determine the role of this variant in disease. Therefore, it has been classified as a Variant of Uncertain Significance. Advanced modeling of protein sequence and biophysical properties (such as structural, functional, and spatial information, amino acid conservation, physicochemical variation, residue mobility, and thermodynamic stability) performed at Invitae indicates that this missense variant is expected to disrupt KMT2D protein function.